The following is an entry in ClinVar:

NM_001127208.3(TET2):c.478G>A (p.Val160Ile)

Genes: TET2 (tet methylcytosine dioxygenase 2; plus strand), TET2-AS1 (TET2 antisense RNA 1; minus strand). Cytogenetic location: 4q24.
Variant type: single nucleotide variant.
Coding change: c.478G>A on transcript NM_001127208.3 (MANE Select); coding-DNA position 478, G replaced by A.
Protein change: p.Val160Ile; replaces valine 160 with isoleucine.
Molecular consequence: missense variant.
Genome position (GRCh38, 1-based): chr4:105,234,420, G>A. VCF-style: chr4-105234420-G-A. GRCh37 (hg19) VCF-style: chr4-106155577-G-A.
Other names: c.478G>A, p.Val160Ile (NM_017628.4); short protein forms V160I.
Identifiers: ClinVar variation 1915496 (VCV001915496.7), dbSNP rs763272294, ClinGen allele CA3031506.

ClinVar aggregate classification (germline): Uncertain significance. Review status: criteria provided, multiple submitters, no conflicts (2 of 4 stars). 2 submissions from 2 submitters: Uncertain significance (2). Last evaluated 2024-11-30.

Allele frequency attached by ClinVar (database versions not stated): ExAC 0.00003.
gnomAD v4.1: 26 of 1,613,998 alleles (0.0016%); highest among the groups gnomAD compares: South Asian, 0.026%; no homozygotes.

Submissions (2):

Ambry Genetics
Classification: Uncertain significance. Last evaluated: 2024-11-30. Review status: criteria provided, single submitter. Criteria: Ambry Variant Classification Scheme 2023. Collection method: clinical testing. Allele origin: germline.
Comment: The p.V160I variant (also known as c.478G>A), located in coding exon 1 of the TET2 gene, results from a G to A substitution at nucleotide position 478. The valine at codon 160 is replaced by isoleucine, an amino acid with highly similar properties. This amino acid position is conserved. In addition, this alteration is predicted to be tolerated by in silico analysis. Based on the available evidence, the clinical significance of this variant remains unclear.

Labcorp Genetics (formerly Invitae), Labcorp
Classification: Uncertain significance. Last evaluated: 2022-05-29. Review status: criteria provided, single submitter. Criteria: Invitae Variant Classification Sherloc (09022015). Collection method: clinical testing. Allele origin: germline.
Comment: This variant has not been reported in the literature in individuals affected with TET2-related conditions. Algorithms developed to predict the effect of missense changes on protein structure and function output the following: SIFT: "Tolerated"; PolyPhen-2: "Benign"; Align-GVGD: "Class C0". The isoleucine amino acid residue is found in multiple mammalian species, which suggests that this missense change does not adversely affect protein function. In summary, the available evidence is currently insufficient to determine the role of this variant in disease. Therefore, it has been classified as a Variant of Uncertain Significance. This variant is present in population databases (rs763272294, gnomAD 0.03%). This sequence change replaces valine, which is neutral and non-polar, with isoleucine, which is neutral and non-polar, at codon 160 of the TET2 protein (p.Val160Ile).